The following is an entry in ClinVar:

NM_018263.6(ASXL2):c.122_124del (p.Glu41del)

Gene: ASXL2 (ASXL transcriptional regulator 2; minus strand). Cytogenetic location: 2p23.3.
Variant type: Deletion.
Coding change: c.122_124del on transcript NM_018263.6 (MANE Select); coding-DNA positions 122 to 124, 3 bases deleted (AAG; older notation c.122_124delAAG).
Protein change: p.Glu41del; deletes glutamic acid 41.
Molecular consequence: inframe deletion.
Genome position (GRCh38, 1-based): chr2:25,845,497-25,845,499, CTT deleted on the plus strand (AAG on the coding strand, the reverse complement: ASXL2 is on the minus strand); deleting any 3 consecutive bases within chr2:25,845,497-25,845,501 gives the same sequence; the c. name uses the placement nearest the transcript's 3' end. VCF-style (leftmost placement, unchanged base first): chr2-25845496-CCTT-C. GRCh37 (hg19) VCF-style: chr2-26068365-CCTT-C.
Other names: c.122_124del (NM_018263.4); c.122_124delAAG (NM_018263.4); short protein forms E41del.
Identifiers: ClinVar variation 2630531 (VCV002630531.3), dbSNP rs2465467795, ClinGen allele CA2695200432.
Genomic context (GRCh38, chr2:25,845,496, plus strand): 5'-TGATCAAGTATTATAATTATTACTAAAAATATTTAAATAACTCACCTGATTTCTTTTAGT[CCTT>C]CTCTCTGGATAACTTGAAGAATTTCTTTATGACTCATGGGTGTATTGGGGTATTTTTCTA-3'

ClinVar aggregate classification (germline): Uncertain significance. Review status: criteria provided, single submitter (1 of 4 stars). 2 submissions from 2 submitters: Uncertain significance (1). 1 of the submissions does not count toward it. Last evaluated 2025-04-30.

Conditions:
ASXL2-related disorder. Also called: ASXL2-related condition.

Submissions (2):

GeneDx
Classification: Uncertain significance. Last evaluated: 2025-04-30. Review status: criteria provided, single submitter. Criteria: GeneDx Variant Classification Process June 2021. Collection method: clinical testing. Allele origin: germline. Affected: yes.
Comment: Not observed at significant frequency in large population cohorts (gnomAD); In-frame deletion of 1 amino acid(s) in a non-repeat region; In silico analysis supports a deleterious effect on protein structure/function; Has not been previously published as pathogenic or benign to our knowledge

PreventionGenetics, part of Exact Sciences
Classification: Uncertain significance for ASXL2-related condition. Last evaluated: 2024-07-26. Review status: no assertion criteria provided. Collection method: clinical testing. Allele origin: germline. Not counted in ClinVar's aggregate classification.
Comment: The ASXL2 c.122_124delAAG variant is predicted to result in an in-frame deletion (p.Glu41del). To our knowledge, this variant has not been reported in the literature or in a large population database, indicating this variant is rare. At this time, the clinical significance of this variant is uncertain due to the absence of conclusive functional and genetic evidence.